The following is an entry in ClinVar:

ClinVar aggregate classification (germline): Uncertain significance (1 of 4 stars; one submission).

Conditions:
Nemaline myopathy 2 (NEM2). Also called: Nemaline myopathy 2, autosomal recessive. Identifiers: MedGen C1850569, MONDO:0009725, OMIM 256030.

gnomAD v4.1: 1 of 1,613,962 alleles (0.000062%); highest among the groups gnomAD compares: East Asian, 0.0022%; no homozygotes.

Submission:

Labcorp Genetics (formerly Invitae), Labcorp
Classification: Uncertain significance for Nemaline myopathy 2. Last evaluated: 2022-04-09. Review status: criteria provided, single submitter. Criteria: Invitae Variant Classification Sherloc (09022015). Collection method: clinical testing. Allele origin: germline.
Comment: This sequence change replaces aspartic acid, which is acidic and polar, with tyrosine, which is neutral and polar, at codon 1398 of the NEB protein (p.Asp1398Tyr). In summary, the available evidence is currently insufficient to determine the role of this variant in disease. Therefore, it has been classified as a Variant of Uncertain Significance. Algorithms developed to predict the effect of missense changes on protein structure and function are either unavailable or do not agree on the potential impact of this missense change (SIFT: "Deleterious"; PolyPhen-2: "Not Available"; Align-GVGD: "Class C0"). This variant has not been reported in the literature in individuals affected with NEB-related conditions. This variant is not present in population databases (gnomAD no frequency).

NM_001164508.2(NEB):c.4192G>T (p.Asp1398Tyr)

Gene: NEB (nebulin; minus strand). Cytogenetic location: 2q23.3.
Variant type: single nucleotide variant.
Coding change: c.4192G>T on transcript NM_001164508.2 (MANE Select); coding-DNA position 4192, G replaced by T.
Protein change: p.Asp1398Tyr; replaces aspartic acid 1398 with tyrosine.
Molecular consequence: missense variant.
Genome position (GRCh38, 1-based): chr2:151,672,476, C>A on the plus strand (G>T on the coding strand, the complement: NEB is on the minus strand). VCF-style: chr2-151672476-C-A. GRCh37 (hg19) VCF-style: chr2-152528990-C-A.
Other names: c.4192G>T, p.Asp1398Tyr (NM_001164507.2, NM_001271208.2, NM_004543.5); short protein forms D1398Y.
Identifiers: ClinVar variation 2123940 (VCV002123940.4), dbSNP rs1402992016, ClinGen allele CA348816597.